The following is an entry in ClinVar:

NM_001854.4(COL11A1):c.2635C>T (p.Arg879Trp)

Gene: COL11A1 (collagen type XI alpha 1 chain; minus strand). Cytogenetic location: 1p21.1.
Variant type: single nucleotide variant.
Coding change: c.2635C>T on transcript NM_001854.4 (MANE Select); coding-DNA position 2635, C replaced by T.
Protein change: p.Arg879Trp; replaces arginine 879 with tryptophan.
Molecular consequence: missense variant. On other transcripts: non-coding transcript variant (1).
Genome position (GRCh38, 1-based): chr1:102,979,080, G>A on the plus strand (C>T on the coding strand, the complement: COL11A1 is on the minus strand). VCF-style: chr1-102979080-G-A. GRCh37 (hg19) VCF-style: chr1-103444636-G-A.
Other names: c.2518C>T, p.Arg840Trp (NM_001190709.2); c.2671C>T, p.Arg891Trp (NM_080629.3); c.2287C>T, p.Arg763Trp (NM_080630.4); c.2635C>T (NM_001854.3); short protein forms R879W, R840W, R763W, R891W.
Identifiers: ClinVar variation 1379188 (VCV001379188.10), dbSNP rs771754817, ClinGen allele CA27703276.

ClinVar aggregate classification (germline): Conflicting classifications of pathogenicity. Review status: criteria provided, conflicting classifications (1 of 4 stars). 3 submissions from 3 submitters: Uncertain significance (1); Likely benign (1). 1 of the submissions does not count toward it. Last evaluated 2025-12-23.

Conditions:
COL11A1-related disorder. Also called: COL11A1-related disorders; COL11A1-related condition.
Inborn genetic diseases. Identifiers: MedGen C0950123, MeSH D030342.

Allele frequency attached by ClinVar (database versions not stated): gnomAD 0.00001; gnomAD exomes 0.00001; TOPMed 0.00001.
gnomAD v4.1: 20 of 1,613,934 alleles (0.0012%); highest among the groups gnomAD compares: Non-Finnish European, 0.0017%; no homozygotes.

Submissions (3):

Labcorp Genetics (formerly Invitae), Labcorp
Classification: Likely benign. Last evaluated: 2025-12-23. Review status: criteria provided, single submitter. Criteria: Invitae Variant Classification Sherloc (09022015). Collection method: clinical testing. Allele origin: germline.

Ambry Genetics
Classification: Uncertain significance for Inborn genetic diseases. Last evaluated: 2025-11-07. Review status: criteria provided, single submitter. Criteria: Ambry Variant Classification Scheme 2023. Collection method: clinical testing. Allele origin: germline.
Comment: The c.2635C>T (p.R879W) alteration is located in exon 33 (coding exon 33) of the COL11A1 gene. This alteration results from a C to T substitution at nucleotide position 2635, causing the arginine (R) at amino acid position 879 to be replaced by a tryptophan (W). Based on data from gnomAD, the T allele has an overall frequency of 0.001% (4/282518) total alleles studied. The highest observed frequency was 0.014% (1/7206) of Other alleles. Based on insufficient or conflicting evidence, the clinical significance of this alteration remains unclear.

PreventionGenetics, part of Exact Sciences
Classification: Uncertain significance for COL11A1-related condition. Last evaluated: 2024-05-03. Review status: no assertion criteria provided. Collection method: clinical testing. Allele origin: germline. Not counted in ClinVar's aggregate classification.
Comment: The COL11A1 c.2635C>T variant is predicted to result in the amino acid substitution p.Arg879Trp. To our knowledge, this variant has not been reported in the literature. This variant is reported in 0.0023% of alleles in individuals of European (Non-Finnish) descent in gnomAD. At this time, the clinical significance of this variant is uncertain due to the absence of conclusive functional and genetic evidence.